The following is an entry in ClinVar:

ClinVar aggregate classification (germline): Uncertain significance (1 of 4 stars; one submission).

Conditions:
Catecholaminergic polymorphic ventricular tachycardia (CVPT). Also called: Catecholamine-induced polymorphic ventricular tachycardia. Identifiers: Orphanet 3286, MedGen C5574922, MONDO:0017990.

Submission:

All of Us Research Program, National Institutes of Health
Classification: Uncertain significance for Catecholaminergic polymorphic ventricular tachycardia. Last evaluated: 2023-05-04. Review status: criteria provided, single submitter. Criteria: ACMG Guidelines, 2015. Collection method: clinical testing. Allele origin: germline. Inheritance: Autosomal dominant inheritance. Observed: 1 variant allele, 1 heterozygote.
Comment: This variant causes a G to T nucleotide substitution at the +5 position of intron 33 of the RYR2 gene. Splice site prediction tools predict that this variant may have a significant impact on RNA splicing. To our knowledge, functional studies have not been reported for this variant. This variant has not been reported in individuals affected with RYR2-related disorders in the literature. This variant has not been identified in the general population by the Genome Aggregation Database (gnomAD). The available evidence is insufficient to determine the role of this variant in disease conclusively. Therefore, this variant is classified as a Variant of Uncertain Significance.

This study involves interpretation of variants in research participants for the purpose of population health screening. Participant phenotype was not available at the time of variant classification. Additional details can be found in publication PMID: 35346344, PMCID: PMC8962531

NM_001035.3(RYR2):c.4436+5G>T

Gene: RYR2 (ryanodine receptor 2; plus strand). Cytogenetic location: 1q43.
Variant type: single nucleotide variant.
Coding change: c.4436+5G>T on transcript NM_001035.3 (MANE Select); 5 bases into the intron after coding-DNA position 4436, G replaced by T.
Molecular consequence: intron variant.
Genome position (GRCh38, 1-based): chr1:237,593,641, G>T. VCF-style: chr1-237593641-G-T. GRCh37 (hg19) VCF-style: chr1-237756941-G-T.
Identifiers: ClinVar variation 3070681 (VCV003070681.1), dbSNP rs2546639376, ClinGen allele CA2825000954.